The following is an entry in ClinVar:

NM_001271938.2(MEGF8):c.2689C>T (p.Leu897Phe)

Gene: MEGF8 (multiple EGF like domains 8; plus strand). Cytogenetic location: 19q13.2.
Variant type: single nucleotide variant.
Coding change: c.2689C>T on transcript NM_001271938.2 (MANE Select); coding-DNA position 2689, C replaced by T.
Protein change: p.Leu897Phe; replaces leucine 897 with phenylalanine.
Molecular consequence: missense variant.
Genome position (GRCh38, 1-based): chr19:42,350,337, C>T. VCF-style: chr19-42350337-C-T. GRCh37 (hg19) VCF-style: chr19-42854489-C-T.
Other names: c.2488C>T, p.Leu830Phe (NM_001410.3); short protein forms L830F, L897F.
Identifiers: ClinVar variation 569536 (VCV000569536.9), dbSNP rs777017134, ClinGen allele CA9474777.

ClinVar aggregate classification (germline): Uncertain significance. Review status: criteria provided, multiple submitters, no conflicts (2 of 4 stars). 2 submissions from 2 submitters: Uncertain significance (2). Last evaluated 2024-10-25.

Conditions:
Inborn genetic diseases. Identifiers: MedGen C0950123, MeSH D030342.
MEGF8-related Carpenter syndrome. Also called: Carpenter syndrome 2. Identifiers: Orphanet 65759, MedGen C3554247, MONDO:0013998, OMIM 614976.

Allele frequency attached by ClinVar (database versions not stated): gnomAD exomes below 0.00001; TOPMed below 0.00001; ExAC 0.00001.
gnomAD v4.1: 11 of 1,603,210 alleles (0.00069%); highest among the groups gnomAD compares: East Asian, 0.0022%; no homozygotes.

Submissions (2):

Ambry Genetics
Classification: Uncertain significance for Inborn genetic diseases. Last evaluated: 2024-10-25. Review status: criteria provided, single submitter. Criteria: Ambry Variant Classification Scheme 2023. Collection method: clinical testing. Allele origin: germline.

Labcorp Genetics (formerly Invitae), Labcorp
Classification: Uncertain significance for MEGF8-related Carpenter syndrome. Last evaluated: 2018-04-24. Review status: criteria provided, single submitter. Criteria: Invitae Variant Classification Sherloc (09022015). Collection method: clinical testing. Allele origin: germline.
Comment: In summary, the available evidence is currently insufficient to determine the role of this variant in disease. Therefore, it has been classified as a Variant of Uncertain Significance. Algorithms developed to predict the effect of missense changes on protein structure and function do not agree on the potential impact of this missense change (SIFT: "Tolerated"; PolyPhen-2: "Possibly Damaging"; Align-GVGD: "Class C0"). This variant has not been reported in the literature in individuals with MEGF8-related disease. This variant is present in population databases (rs777017134, ExAC 0.01%). This sequence change replaces leucine with phenylalanine at codon 830 of the MEGF8 protein (p.Leu830Phe). The leucine residue is highly conserved and there is a small physicochemical difference between leucine and phenylalanine.